The following is an entry in ClinVar:

NM_002028.4(FNTB):c.990C>T (p.Phe330=)

Genes: CHURC1-FNTB (CHURC1-FNTB readthrough; plus strand), FNTB (farnesyltransferase, CAAX box, subunit beta; plus strand), MAX (MYC associated transcriptional regulator X; minus strand). Cytogenetic location: 14q23.3.
Variant type: single nucleotide variant.
Coding change: c.990C>T on transcript NM_002028.4 (MANE Select); coding-DNA position 990, C replaced by T.
Protein change: p.Phe330=; no amino-acid change (phenylalanine 330 retained).
Molecular consequence: synonymous variant. On other transcripts: intron variant (2).
Genome position (GRCh38, 1-based): chr14:65,053,272, C>T. VCF-style: chr14-65053272-C-T. GRCh37 (hg19) VCF-style: chr14-65519990-C-T.
Other names: c.852C>T, p.Phe284= (NM_001202558.2); c.1173C>T, p.Phe391= (NM_001202559.1); c.144+40436G>A (NM_001271069.2); c.171+40436G>A (NM_197957.4).
Identifiers: ClinVar variation 2644329 (VCV002644329.22), dbSNP rs34156365, ClinGen allele CA7232652.
Genomic context (GRCh38, chr14:65,053,272, plus strand): 5'-CTTACTGACCCTTTGCCCTTCAACAGGTGACCCTGCCCTTAGCATGAGCCACTGGATGTT[C>T]CATCAGCAGGCCCTGCAGGAGTACATCCTGATGTGCTGCCAGTGCCCTGCGGGGGGGCTT-3'
Protein context (NP_002019.1, residues 320-340): DPALSMSHWM[Phe330=]HQQALQEYIL

ClinVar aggregate classification (germline): Benign (1 of 4 stars; one submission).

Allele frequency attached by ClinVar (database versions not stated): TOPMed 0.00806; 1000 Genomes Project 0.00339; ESP Exome Variant Server 0.00992; 1000 Genomes Project 30x 0.00422; ExAC 0.01030; gnomAD 0.00865.
gnomAD v4.1: 19,299 of 1,455,536 alleles (1.3%); highest among the groups gnomAD compares: Non-Finnish European, 1.6%; 134 homozygotes.

Submission:

CeGaT Center for Human Genetics Tuebingen
Classification: Benign. Last evaluated: 2024-07-01. Review status: criteria provided, single submitter. Criteria: CeGaT Center For Human Genetics Tuebingen Variant Classification Criteria Version 2. Collection method: clinical testing. Allele origin: germline. Affected: yes. Observed: 3 variant alleles.
Comment: FNTB: BP4, BP7, BS1, BS2